The following is an entry in ClinVar:

ClinVar aggregate classification (germline): Uncertain significance. Review status: criteria provided, multiple submitters, no conflicts (2 of 4 stars). 2 submissions from 2 submitters: Uncertain significance (2). Last evaluated 2024-10-22.

Submissions (2):

Labcorp Genetics (formerly Invitae), Labcorp
Classification: Uncertain significance. Last evaluated: 2024-10-22. Review status: criteria provided, single submitter. Criteria: Invitae Variant Classification Sherloc (09022015). Collection method: clinical testing. Allele origin: germline.
Comment: This sequence change replaces alanine, which is neutral and non-polar, with tyrosine, which is neutral and polar, at codon 258 of the TPP1 protein (p.Ala258Tyr). Information on the frequency of this variant in the gnomAD database is not available, as this variant may be reported differently in the database. This variant has not been reported in the literature in individuals affected with TPP1-related conditions. ClinVar contains an entry for this variant (Variation ID: 1004387). An algorithm developed to predict the effect of missense changes on protein structure and function (PolyPhen-2) suggests that this variant is likely to be disruptive. In summary, the available evidence is currently insufficient to determine the role of this variant in disease. Therefore, it has been classified as a Variant of Uncertain Significance.

GeneDx
Classification: Uncertain significance. Last evaluated: 2023-04-27. Review status: criteria provided, single submitter. Criteria: GeneDx Variant Classification Process June 2021. Collection method: clinical testing. Allele origin: germline. Affected: yes.
Comment: Not observed at significant frequency in large population cohorts (gnomAD); In silico analysis supports that this variant does not alter protein structure/function; Has not been previously published as pathogenic or benign to our knowledge

NM_000391.4(TPP1):c.772_773delinsTA (p.Ala258Tyr)

Gene: TPP1 (tripeptidyl peptidase 1; minus strand). Cytogenetic location: 11p15.4.
Variant type: Indel.
Coding change: c.772_773delinsTA on transcript NM_000391.4 (MANE Select); coding-DNA positions 772 to 773, GC replaced by TA.
Protein change: p.Ala258Tyr; replaces alanine 258 with tyrosine.
Molecular consequence: missense variant.
Genome position (GRCh38, 1-based): chr11:6,616,774-6,616,775, GC replaced by TA on the plus strand (GC replaced by TA on the coding strand, the reverse complement: TPP1 is on the minus strand). VCF-style: chr11-6616774-GC-TA. GRCh37 (hg19) VCF-style: chr11-6638005-GC-TA.
Other names: c.772_773delinsTA (NM_000391.3); short protein forms A258Y.
Identifiers: ClinVar variation 1004387 (VCV001004387.6), dbSNP rs1855592380, ClinGen allele CA1950237325.